The following is an entry in ClinVar:

NM_020921.4(NIN):c.1966C>T (p.Gln656Ter)

Genes: NIN (ninein; minus strand), LOC130055602 (ATAC-STARR-seq lymphoblastoid active region 8362; plus strand). Cytogenetic location: 14q22.1.
Variant type: single nucleotide variant.
Coding change: c.1966C>T on transcript NM_020921.4 (MANE Select); coding-DNA position 1966, C replaced by T.
Protein change: p.Gln656Ter; replaces glutamine 656 with a stop codon.
Molecular consequence: nonsense.
Genome position (GRCh38, 1-based): chr14:50,760,290, G>A on the plus strand (C>T on the coding strand, the complement: NIN is on the minus strand). VCF-style: chr14-50760290-G-A. GRCh37 (hg19) VCF-style: chr14-51227008-G-A.
Other names: c.1966C>T, p.Gln656Ter (NM_016350.5, NM_182944.3, NM_182946.2); short protein forms Q656*.
Identifiers: ClinVar variation 2429277 (VCV002429277.4), dbSNP rs2505891787, ClinGen allele CA389702929.
Genomic context (GRCh38, chr14:50,760,290, plus strand): 5'-TTTCATTTTTAAGGTCACTTATTTGTTTTTCTAAGGTGTGCGTTTCGTTCTCATGCCTTT[G>A]CTTCATGTTCTCCTGTGCCTTCTTGCAGCTGACCACGGTTTCGTCCAGCTGCTTTTCATA-3'

ClinVar aggregate classification (germline): Likely pathogenic (1 of 4 stars; one submission).

Conditions:
Seckel syndrome 7 (SCKL7). Identifiers: Orphanet 319675, MedGen C3553870, MONDO:0013922, OMIM 614851.

Submission:

Women's Health and Genetics/Laboratory Corporation of America, LabCorp
Classification: Likely pathogenic for Seckel syndrome 7. Last evaluated: 2023-01-20. Review status: criteria provided, single submitter. Criteria: LabCorp Variant Classification Summary - May 2015. Collection method: clinical testing. Allele origin: germline.
Comment: Variant summary: NIN c.1966C>T (p.Gln656X) results in a premature termination codon, predicted to cause a truncation of the encoded protein or absence of the protein due to nonsense mediated decay, which are commonly known mechanisms for disease. The variant was absent in 247990 control chromosomes (gnomAD). To our knowledge, no occurrence of c.1966C>T in individuals affected with Seckel Syndrome 7 and no experimental evidence demonstrating its impact on protein function have been reported. No clinical diagnostic laboratories have submitted clinical-significance assessments for this variant to ClinVar after 2014. Based on the evidence outlined above, the variant was classified as likely pathogenic.